The following is an entry in ClinVar:

ClinVar aggregate classification (germline): Benign/Likely benign. Review status: criteria provided, multiple submitters, no conflicts (2 of 4 stars). 3 submissions from 3 submitters: Benign (1); Likely benign (2). Last evaluated 2025-03-14.

Allele frequency attached by ClinVar (database versions not stated): ExAC 0.00019; 1000 Genomes Project 30x 0.00031; 1000 Genomes Project 0.00040; gnomAD 0.00048; ESP Exome Variant Server 0.00069; TOPMed 0.00077.
gnomAD v4.1: 194 of 1,613,900 alleles (0.012%); highest among the groups gnomAD compares: Middle Eastern, 0.099%; 1 homozygote.

Submissions (3):

Labcorp Genetics (formerly Invitae), Labcorp
Classification: Benign. Last evaluated: 2025-03-14. Review status: criteria provided, single submitter. Criteria: Invitae Variant Classification Sherloc (09022015). Collection method: clinical testing. Allele origin: germline.

Blueprint Genetics
Classification: Likely benign. Last evaluated: 2024-09-03. Review status: criteria provided, single submitter. Criteria: ACMG Guidelines, 2015. Collection method: clinical testing. Allele origin: germline.

CeGaT Center for Human Genetics Tuebingen
Classification: Likely benign. Last evaluated: 2023-04-01. Review status: criteria provided, single submitter. Criteria: CeGaT Center For Human Genetics Tuebingen Variant Classification Criteria Version 2. Collection method: clinical testing. Allele origin: germline. Affected: yes. Observed: 1 variant allele.
Comment: TUBB4B: BP4, BP7

NM_006088.6(TUBB4B):c.327C>T (p.Gly109=)

Gene: TUBB4B (tubulin beta 4B class IVb; plus strand). Cytogenetic location: 9q34.3.
Variant type: single nucleotide variant.
Coding change: c.327C>T on transcript NM_006088.6 (MANE Select); coding-DNA position 327, C replaced by T.
Protein change: p.Gly109=; no amino-acid change (glycine 109 retained).
Molecular consequence: synonymous variant.
Genome position (GRCh38, 1-based): chr9:137,242,545, C>T. VCF-style: chr9-137242545-C-T. GRCh37 (hg19) VCF-style: chr9-140136997-C-T.
Identifiers: ClinVar variation 2076921 (VCV002076921.29), dbSNP rs147505429, ClinGen allele CA5365321.